The following is an entry in ClinVar:

NM_021815.5(SLC5A7):c.81G>A (p.Trp27Ter)

Gene: SLC5A7 (solute carrier family 5 member 7; plus strand). Cytogenetic location: 2q12.3.
Variant type: single nucleotide variant.
Coding change: c.81G>A on transcript NM_021815.5 (MANE Select); coding-DNA position 81, G replaced by A.
Protein change: p.Trp27Ter; replaces tryptophan 27 with a stop codon.
Molecular consequence: nonsense. On other transcripts: 5 prime UTR variant (1), intron variant (1).
Genome position (GRCh38, 1-based): chr2:107,988,236, G>A. VCF-style: chr2-107988236-G-A. GRCh37 (hg19) VCF-style: chr2-108604692-G-A.
Other names: c.81G>A, p.Trp27Ter (NM_001305005.3); c.-624G>A (NM_001305007.3); c.-138+1473G>A (NM_001305006.3); short protein forms W27*.
Identifiers: ClinVar variation 1476505 (VCV001476505.8), dbSNP rs1677321281, ClinGen allele CA348019675.

ClinVar aggregate classification (germline): Conflicting classifications of pathogenicity. Review status: criteria provided, conflicting classifications (1 of 4 stars). 2 submissions from 2 submitters: Pathogenic (1); Uncertain significance (1). Last evaluated 2025-03-17.

Conditions:
Congenital myasthenic syndrome 20. Also called: Myasthenic syndrome, congenital, 20, presynaptic. Identifiers: MedGen C4310694, MONDO:0014939, OMIM 617143.
Neuronopathy, distal hereditary motor, type 7A. Also called: HARPER-YOUNG MYOPATHY; HMN VIIA; Neuronopathy, distal hereditary motor, type viia; NEURONOPATHY, DISTAL HEREDITARY MOTOR, HARDING TYPE VIIA; NEUROPATHY, DISTAL HEREDITARY MOTOR, HARDING TYPE VIIA; Neuronopathy, distal hereditary motor, autosomal dominant 7. Identifiers: Orphanet 139589, MedGen C1834703, MONDO:0008024, OMIM 158580.
Inborn genetic diseases. Identifiers: MedGen C0950123, MeSH D030342.

Submissions (2):

Labcorp Genetics (formerly Invitae), Labcorp
Classification: Pathogenic for Neuronopathy, distal hereditary motor, type 7A; Congenital myasthenic syndrome 20. Last evaluated: 2025-03-17. Review status: criteria provided, single submitter. Criteria: Invitae Variant Classification Sherloc (09022015). Collection method: clinical testing. Allele origin: germline.
Comment: This sequence change creates a premature translational stop signal (p.Trp27*) in the SLC5A7 gene. It is expected to result in an absent or disrupted protein product. Loss-of-function variants in SLC5A7 are known to be pathogenic (PMID: 15173594, 27569547, 39135055). This variant is not present in population databases (gnomAD no frequency). This variant has not been reported in the literature in individuals affected with SLC5A7-related conditions. ClinVar contains an entry for this variant (Variation ID: 1476505). For these reasons, this variant has been classified as Pathogenic.

Ambry Genetics
Classification: Uncertain significance for Inborn genetic diseases. Last evaluated: 2020-02-18. Review status: criteria provided, single submitter. Criteria: Ambry Variant Classification Scheme 2023. Collection method: clinical testing. Allele origin: germline.
Comment: The p.W27* variant (also known as c.81G>A), located in coding exon 1 of the SLC5A7 gene, results from a G to A substitution at nucleotide position 81. This changes the amino acid from a tryptophan to a stop codon within coding exon 1. This alteration is expected to result in loss of function by premature protein truncation or nonsense-mediated mRNA decay. However, loss of function of SLC5A7 has not been clearly established as a mechanism of disease. Since supporting evidence is limited at this time, the clinical significance of this alteration remains unclear.

Literature cited by the submitters: PubMed 15173594 (cited by Labcorp Genetics (formerly Invitae), Labcorp); PubMed 27569547 (cited by Labcorp Genetics (formerly Invitae), Labcorp); PubMed 39135055 (cited by Labcorp Genetics (formerly Invitae), Labcorp).